The following is an entry in ClinVar:

ClinVar aggregate classification (germline): Pathogenic/Likely pathogenic. Review status: criteria provided, multiple submitters, no conflicts (2 of 4 stars). 2 submissions from 2 submitters: Pathogenic (1); Likely pathogenic (1). Last evaluated 2023-03-14.

Conditions:
Autosomal dominant nonsyndromic hearing loss 20. Identifiers: Orphanet 90635, MedGen C1858172, MONDO:0011480, OMIM 604717.
Baraitser-winter syndrome 2. Identifiers: Orphanet 2995, MedGen C3281235, MONDO:0013812, OMIM 614583.

Allele frequency attached by ClinVar (database versions not stated): gnomAD exomes below 0.00001.
gnomAD v4.1: 1 of 1,613,784 alleles (0.000062%); highest among the groups gnomAD compares: Non-Finnish European, 0.000085%; no homozygotes.

Submissions (2):

Labcorp Genetics (formerly Invitae), Labcorp
Classification: Pathogenic for Baraitser-winter syndrome 2; Autosomal dominant nonsyndromic hearing loss 20. Last evaluated: 2023-03-14. Review status: criteria provided, single submitter. Criteria: Invitae Variant Classification Sherloc (09022015). Collection method: clinical testing. Allele origin: germline.
Comment: For these reasons, this variant has been classified as Pathogenic. Advanced modeling of protein sequence and biophysical properties (such as structural, functional, and spatial information, amino acid conservation, physicochemical variation, residue mobility, and thermodynamic stability) performed at Invitae indicates that this missense variant is not expected to disrupt ACTG1 protein function. This missense change has been observed in individual(s) with ACTG1-related conditions (PMID: 19548389). It has also been observed to segregate with disease in related individuals. This variant is not present in population databases (gnomAD no frequency). This sequence change replaces aspartic acid, which is acidic and polar, with asparagine, which is neutral and polar, at codon 51 of the ACTG1 protein (p.Asp51Asn).

3billion
Classification: Likely pathogenic for Autosomal dominant nonsyndromic hearing loss 20. Last evaluated: 2023-02-23. Review status: criteria provided, single submitter. Criteria: ACMG Guidelines, 2015. Collection method: clinical testing. Allele origin: unknown. Affected: yes.
Comment: The variant is not observed in the gnomAD v2.1.1 dataset. Missense changes are a common disease-causing mechanism. In silico tool predictions suggest damaging effect of the variant on gene or gene product (REVEL: 0.84; 3Cnet: 0.97). Same nucleotide change resulting in same amino acid change has been previously reported to be associated with ACTG1 related disorder (PMID: 19548389). The variant has been reported to co-segregate with the disease in at least 7 similarly affected relatives/individuals in at least two unrelated families (PMID: 19548389). Therefore, this variant is classified as Likely pathogenic according to the recommendation of ACMG/AMP guideline.

Literature cited by the submitters: PubMed 19548389 (cited by Labcorp Genetics (formerly Invitae), Labcorp and 3billion).

NM_001614.5(ACTG1):c.151G>A (p.Asp51Asn)

Gene: ACTG1 (actin gamma 1; minus strand). Cytogenetic location: 17q25.3.
Variant type: single nucleotide variant.
Coding change: c.151G>A on transcript NM_001614.5 (MANE Select); coding-DNA position 151, G replaced by A.
Protein change: p.Asp51Asn; replaces aspartic acid 51 with asparagine.
Molecular consequence: missense variant. On other transcripts: non-coding transcript variant (1).
Genome position (GRCh38, 1-based): chr17:81,512,115, C>T on the plus strand (G>A on the coding strand, the complement: ACTG1 is on the minus strand). VCF-style: chr17-81512115-C-T. GRCh37 (hg19) VCF-style: chr17-79479141-C-T.
Other names: c.151G>A, p.Asp51Asn (NM_001199954.3); short protein forms D51N.
Identifiers: ClinVar variation 2444245 (VCV002444245.4), dbSNP rs2544392281, ClinGen allele CA401463294.